The following is an entry in ClinVar:

ClinVar aggregate classification (germline): Pathogenic. Review status: criteria provided, multiple submitters, no conflicts (2 of 4 stars). 2 submissions from 2 submitters: Pathogenic (2). Last evaluated 2023-03-02.

Conditions:
Brody myopathy. Also called: BRODY DISEASE. Identifiers: Orphanet 53347, MedGen C1832918, MONDO:0010977, OMIM 601003.

Allele frequency attached by ClinVar (database versions not stated): TOPMed below 0.00001; gnomAD 0.00001; gnomAD exomes 0.00001 and 0.00002; ExAC 0.00002.
gnomAD v4.1: 20 of 1,613,934 alleles (0.0012%); highest among the groups gnomAD compares: East Asian, 0.0022%; no homozygotes.

Submissions (2):

Labcorp Genetics (formerly Invitae), Labcorp
Classification: Pathogenic for Brody myopathy. Last evaluated: 2023-03-02. Review status: criteria provided, single submitter. Criteria: Invitae Variant Classification Sherloc (09022015). Collection method: clinical testing. Allele origin: germline.
Comment: This sequence change creates a premature translational stop signal (p.Arg236*) in the ATP2A1 gene. It is expected to result in an absent or disrupted protein product. Loss-of-function variants in ATP2A1 are known to be pathogenic (PMID: 8841193, 10914677, 23911890). This variant is present in population databases (rs745337023, gnomAD 0.003%). This variant has not been reported in the literature in individuals affected with ATP2A1-related conditions. ClinVar contains an entry for this variant (Variation ID: 1323776). For these reasons, this variant has been classified as Pathogenic.

Revvity Omics, Revvity
Classification: Pathogenic for Brody myopathy. Last evaluated: 2019-05-10. Review status: criteria provided, single submitter. Criteria: ACMG Guidelines, 2015. Collection method: clinical testing. Allele origin: germline.

Literature cited by the submitters: PubMed 8841193 (cited by Labcorp Genetics (formerly Invitae), Labcorp); PubMed 10914677 (cited by Labcorp Genetics (formerly Invitae), Labcorp); PubMed 23911890 (cited by Labcorp Genetics (formerly Invitae), Labcorp).

NM_004320.6(ATP2A1):c.706C>T (p.Arg236Ter)

Gene: ATP2A1 (ATPase sarcoplasmic/endoplasmic reticulum Ca2+ transporting 1; plus strand). Cytogenetic location: 16p11.2.
Variant type: single nucleotide variant.
Coding change: c.706C>T on transcript NM_004320.6 (MANE Select); coding-DNA position 706, C replaced by T.
Protein change: p.Arg236Ter; replaces arginine 236 with a stop codon.
Molecular consequence: nonsense.
Genome position (GRCh38, 1-based): chr16:28,887,500, C>T. VCF-style: chr16-28887500-C-T. GRCh37 (hg19) VCF-style: chr16-28898821-C-T.
Other names: c.706C>T, p.Arg236Ter (NM_173201.5); c.331C>T, p.Arg111Ter (NM_001286075.2); short protein forms R111*, R236*.
Identifiers: ClinVar variation 1323776 (VCV001323776.7), dbSNP rs745337023, ClinGen allele CA7986751.
Genomic context (GRCh38, chr16:28,887,500, plus strand): 5'-GCCGGCAAGGCCTTGGGCATCGTGGCCACCACTGGTGTGGGCACCGAGATTGGGAAGATC[C>T]GAGACCAAATGGCTGCCACAGAACAGGACAAGACCCCCTTGCAGCAGAAGCTGGATGAGT-3'